The following is an entry in ClinVar:

NM_015450.3(POT1):c.437C>G (p.Pro146Arg)

Gene: POT1 (protection of telomeres 1; minus strand). Cytogenetic location: 7q31.33.
Variant type: single nucleotide variant.
Coding change: c.437C>G on transcript NM_015450.3 (MANE Select); coding-DNA position 437, C replaced by G.
Protein change: p.Pro146Arg; replaces proline 146 with arginine.
Molecular consequence: missense variant. On other transcripts: non-coding transcript variant (3).
Genome position (GRCh38, 1-based): chr7:124,863,459, G>C on the plus strand (C>G on the coding strand, the complement: POT1 is on the minus strand). VCF-style: chr7-124863459-G-C. GRCh37 (hg19) VCF-style: chr7-124503513-G-C.
Other names: c.44C>G, p.Pro15Arg (NM_001042594.2); short protein forms P15R, P146R.
Identifiers: ClinVar variation 3015093 (VCV003015093.3), dbSNP rs1554426915, ClinGen allele CA369059299.

ClinVar aggregate classification (germline): Uncertain significance (1 of 4 stars; one submission).

Conditions:
Tumor predisposition syndrome 3 (TPDS3). Also called: Melanoma, cutaneous malignant, susceptibility to, 10; Glioma susceptibility 9; LONG TELOMERE SYNDROME, POT1-RELATED; POT1 Tumor Predisposition. Identifiers: Orphanet 618, MedGen C4014476, MONDO:0014368, OMIM 615848.

Submission:

Labcorp Genetics (formerly Invitae), Labcorp
Classification: Uncertain significance for Tumor predisposition syndrome 3. Last evaluated: 2023-03-29. Review status: criteria provided, single submitter. Criteria: Invitae Variant Classification Sherloc (09022015). Collection method: clinical testing. Allele origin: germline.
Comment: This variant is not present in population databases (gnomAD no frequency). This variant has not been reported in the literature in individuals affected with POT1-related conditions. Advanced modeling of protein sequence and biophysical properties (such as structural, functional, and spatial information, amino acid conservation, physicochemical variation, residue mobility, and thermodynamic stability) performed at Invitae indicates that this missense variant is not expected to disrupt POT1 protein function. In summary, the available evidence is currently insufficient to determine the role of this variant in disease. Therefore, it has been classified as a Variant of Uncertain Significance. This sequence change replaces proline, which is neutral and non-polar, with arginine, which is basic and polar, at codon 146 of the POT1 protein (p.Pro146Arg).